The following is an entry in ClinVar:

NM_001876.4(CPT1A):c.1364A>C (p.Lys455Thr)

Gene: CPT1A (carnitine palmitoyltransferase 1A; minus strand). Cytogenetic location: 11q13.3.
Variant type: single nucleotide variant.
Coding change: c.1364A>C on transcript NM_001876.4 (MANE Select); coding-DNA position 1364, A replaced by C.
Protein change: p.Lys455Thr; replaces lysine 455 with threonine.
Molecular consequence: missense variant.
Genome position (GRCh38, 1-based): chr11:68,780,734, T>G on the plus strand (A>C on the coding strand, the complement: CPT1A is on the minus strand). VCF-style: chr11-68780734-T-G. GRCh37 (hg19) VCF-style: chr11-68548202-T-G.
Other names: c.1364A>C, p.Lys455Thr (NM_001031847.3); short protein forms K455T.
Identifiers: ClinVar variation 189151 (VCV000189151.21), dbSNP rs189174414, ClinGen allele CA274426.

ClinVar aggregate classification (germline): Pathogenic/Likely pathogenic. Review status: criteria provided, multiple submitters, no conflicts (2 of 4 stars). 6 submissions from 6 submitters: Pathogenic (2); Likely pathogenic (2). 2 of the submissions do not count toward it. Last evaluated 2024-07-16.

Conditions:
CPT1A-related disorders.
Carnitine palmitoyl transferase 1A deficiency. Also called: Carnitine palmitoyltransferase 1A deficiency; CPT deficiency, hepatic, type IA; Carnitine palmitoyltransferase type I deficiency; CPT I DEFICIENCY; CPT DEFICIENCY, HEPATIC, TYPE I. Identifiers: Orphanet 156, MedGen C1829703, MONDO:0009705, OMIM 255120.

Allele frequency attached by ClinVar (database versions not stated): TOPMed below 0.00001; ESP Exome Variant Server 0.00008; gnomAD 0.00020 and 0.00021; ExAC 0.00021; gnomAD exomes 0.00022; 1000 Genomes Project 30x 0.00031; 1000 Genomes Project 0.00040.
gnomAD v4.1: 146 of 1,614,124 alleles (0.009%); highest among the groups gnomAD compares: Non-Finnish European, 0.0013%; no homozygotes.

Submissions (6):

Labcorp Genetics (formerly Invitae), Labcorp
Classification: Pathogenic for Carnitine palmitoyl transferase 1A deficiency. Last evaluated: 2024-07-16. Review status: criteria provided, single submitter. Criteria: Invitae Variant Classification Sherloc (09022015). Collection method: clinical testing. Allele origin: germline.
Comment: This sequence change replaces lysine, which is basic and polar, with threonine, which is neutral and polar, at codon 455 of the CPT1A protein (p.Lys455Thr). This variant is present in population databases (rs189174414, gnomAD 0.2%). This missense change has been observed in individual(s) with CPT1A-related conditions (PMID: 21962599). It has also been observed to segregate with disease in related individuals. ClinVar contains an entry for this variant (Variation ID: 189151). Advanced modeling of protein sequence and biophysical properties (such as structural, functional, and spatial information, amino acid conservation, physicochemical variation, residue mobility, and thermodynamic stability) performed at Invitae indicates that this missense variant is expected to disrupt CPT1A protein function with a positive predictive value of 95%. For these reasons, this variant has been classified as Pathogenic.

Blueprint Genetics
Classification: Pathogenic for CPT1A-related disorders. Last evaluated: 2023-10-26. Review status: criteria provided, single submitter. Criteria: ACMG Guidelines, 2015. Collection method: clinical testing. Allele origin: germline. Affected: yes. Observed: 5 variant alleles.

GeneDx
Classification: Likely pathogenic. Last evaluated: 2023-06-22. Review status: criteria provided, single submitter. Criteria: GeneDx Variant Classification Process June 2021. Collection method: clinical testing. Allele origin: germline. Affected: yes.
Comment: In silico analysis supports that this missense variant has a deleterious effect on protein structure/function; This variant is associated with the following publications: (PMID: 15970898, 17060594, 21962599, 17060592)

Fulgent Genetics
Classification: Likely pathogenic for Carnitine palmitoyl transferase 1A deficiency. Last evaluated: 2022-03-03. Review status: criteria provided, single submitter. Criteria: ACMG Guidelines, 2015. Collection method: clinical testing. Allele origin: unknown.

Natera, Inc.
Classification: Likely pathogenic for Carnitine palmitoyltransferase type I deficiency. Last evaluated: 2021-08-02. Review status: no assertion criteria provided. Collection method: clinical testing. Allele origin: germline. Not counted in ClinVar's aggregate classification.

Counsyl
Classification: Likely pathogenic for Carnitine palmitoyltransferase I deficiency. Last evaluated: 2015-01-23. Review status: no assertion criteria provided. Collection method: literature only. Allele origin: unknown. Inheritance: Autosomal recessive inheritance. Not counted in ClinVar's aggregate classification.

Literature cited by the submitters: PubMed 21962599 (cited by Labcorp Genetics (formerly Invitae), Labcorp and Counsyl).